The following is an entry in ClinVar:

NM_020719.3(PRR12):c.5956C>T (p.Arg1986Trp)

Gene: PRR12 (proline rich 12; plus strand). Cytogenetic location: 19q13.33.
Variant type: single nucleotide variant.
Coding change: c.5956C>T on transcript NM_020719.3 (MANE Select); coding-DNA position 5956, C replaced by T.
Protein change: p.Arg1986Trp; replaces arginine 1986 with tryptophan.
Molecular consequence: missense variant.
Genome position (GRCh38, 1-based): chr19:49,625,192, C>T. VCF-style: chr19-49625192-C-T. GRCh37 (hg19) VCF-style: chr19-50128449-C-T.
Other names: short protein forms R1986W.
Identifiers: ClinVar variation 1700442 (VCV001700442.2), dbSNP rs1475987820, ClinGen allele CA406842955.

ClinVar aggregate classification (germline): Uncertain significance (1 of 4 stars; one submission).

Allele frequency attached by ClinVar (database versions not stated): TOPMed below 0.00001.
gnomAD v4.1: 2 of 1,613,458 alleles (0.00012%); highest among the groups gnomAD compares: Non-Finnish European, 0.00017%; no homozygotes.

Submission:

GeneDx
Classification: Uncertain significance. Last evaluated: 2022-02-07. Review status: criteria provided, single submitter. Criteria: GeneDx Variant Classification Process June 2021. Collection method: clinical testing. Allele origin: germline. Affected: yes.
Comment: Not observed at significant frequency in large population cohorts (gnomAD); In silico analysis supports that this missense variant has a deleterious effect on protein structure/function; Has not been previously published as pathogenic or benign to our knowledge